The following is an entry in ClinVar:

NM_001365999.1(SZT2):c.6302C>T (p.Thr2101Ile)

Gene: SZT2 (SZT2 subunit of KICSTOR complex; plus strand). Cytogenetic location: 1p34.2.
Variant type: single nucleotide variant.
Coding change: c.6302C>T on transcript NM_001365999.1 (MANE Select); coding-DNA position 6302, C replaced by T.
Protein change: p.Thr2101Ile; replaces threonine 2101 with isoleucine.
Molecular consequence: missense variant.
Genome position (GRCh38, 1-based): chr1:43,437,606, C>T. VCF-style: chr1-43437606-C-T. GRCh37 (hg19) VCF-style: chr1-43903277-C-T.
Other names: c.6131C>T, p.Thr2044Ile (NM_015284.4); short protein forms T2044I, T2101I.
Identifiers: ClinVar variation 1979790 (VCV001979790.4), dbSNP rs1490921261, ClinGen allele CA340029127.

ClinVar aggregate classification (germline): Uncertain significance (1 of 4 stars; one submission).

Allele frequency attached by ClinVar (database versions not stated): gnomAD exomes 0.00001.
gnomAD v4.1: 23 of 1,614,144 alleles (0.0014%); highest among the groups gnomAD compares: Non-Finnish European, 0.0018%; no homozygotes.

Submission:

Labcorp Genetics (formerly Invitae), Labcorp
Classification: Uncertain significance. Last evaluated: 2022-07-16. Review status: criteria provided, single submitter. Criteria: Invitae Variant Classification Sherloc (09022015). Collection method: clinical testing. Allele origin: germline.
Comment: This sequence change replaces threonine, which is neutral and polar, with isoleucine, which is neutral and non-polar, at codon 2044 of the SZT2 protein (p.Thr2044Ile). In summary, the available evidence is currently insufficient to determine the role of this variant in disease. Therefore, it has been classified as a Variant of Uncertain Significance. Algorithms developed to predict the effect of missense changes on protein structure and function are either unavailable or do not agree on the potential impact of this missense change (SIFT: "Deleterious"; PolyPhen-2: "Probably Damaging"; Align-GVGD: "Class C0"). This variant has not been reported in the literature in individuals affected with SZT2-related conditions. This variant is present in population databases (no rsID available, gnomAD 0.003%).